The following is an entry in ClinVar:

NM_017636.4(TRPM4):c.480G>A (p.Thr160=)

Gene: TRPM4 (transient receptor potential cation channel subfamily M member 4; plus strand). Cytogenetic location: 19q13.33.
Variant type: single nucleotide variant.
Coding change: c.480G>A on transcript NM_017636.4 (MANE Select); coding-DNA position 480, G replaced by A.
Protein change: p.Thr160=; no amino-acid change (threonine 160 retained).
Molecular consequence: synonymous variant. On other transcripts: 5 prime UTR variant (2), intron variant (2).
Genome position (GRCh38, 1-based): chr19:49,168,291, G>A. VCF-style: chr19-49168291-G-A. GRCh37 (hg19) VCF-style: chr19-49671548-G-A.
Other names: c.480G>A, p.Thr160= (NM_001195227.2); c.-1074G>A (NM_001321282.2); c.-43G>A (NM_001321283.2); c.268-262G>A (NM_001321281.2); c.-237-262G>A (NM_001321285.2).
Identifiers: ClinVar variation 3076195 (VCV003076195.3), dbSNP rs758100348, ClinGen allele CA9568842.

ClinVar aggregate classification (germline): Conflicting classifications of pathogenicity. Review status: criteria provided, conflicting classifications (1 of 4 stars). 2 submissions from 2 submitters: Uncertain significance (1); Likely benign (1). Last evaluated 2025-10-29.

Conditions:
Cardiovascular phenotype. Identifiers: MedGen CN230736.
Progressive familial heart block type IB (PFHB1B). Identifiers: Orphanet 871, MedGen C1970298, MONDO:0011474, OMIM 604559.

Allele frequency attached by ClinVar (database versions not stated): ExAC 0.00002.
gnomAD v4.1: 13 of 1,614,078 alleles (0.00081%); highest among the groups gnomAD compares: African/African-American, 0.012%; no homozygotes.

Submissions (2):

Labcorp Genetics (formerly Invitae), Labcorp
Classification: Likely benign for Progressive familial heart block type IB. Last evaluated: 2025-10-29. Review status: criteria provided, single submitter. Criteria: Invitae Variant Classification Sherloc (09022015). Collection method: clinical testing. Allele origin: germline.

Ambry Genetics
Classification: Uncertain significance for Cardiovascular phenotype. Last evaluated: 2019-11-25. Review status: criteria provided, single submitter. Criteria: Ambry Variant Classification Scheme 2023. Collection method: clinical testing. Allele origin: germline.
Comment: The c.480G>A (p.T160T) alteration is located in exon 5 (coding exon 5) of the TRPM4 gene. This alteration consists of a G to A substitution at nucleotide position 480. This nucleotide substitution does not change the amino acid at codon 160. However, this change occurs in the last nucleotide of Exon 5 (c.449_612) which makes it likely to have some effect on normal mRNA splicing. Based on insufficient or conflicting evidence, the clinical significance of this alteration remains unclear.